The following is an entry in ClinVar:

ClinVar aggregate classification (germline): Benign/Likely benign. Review status: criteria provided, multiple submitters, no conflicts (2 of 4 stars). 4 submissions from 4 submitters: Benign (1); Likely benign (3). Last evaluated 2025-12-24.

Conditions:
Hereditary cancer-predisposing syndrome. Also called: Neoplastic Syndromes, Hereditary; Tumor predisposition; Hereditary Cancer Syndrome; Hereditary neoplastic syndrome. Identifiers: Orphanet 140162, MedGen C0027672, MeSH D009386, MONDO:0015356.
Hereditary leiomyomatosis and renal cell cancer. Also called: MULTIPLE CUTANEOUS AND UTERINE LEIOMYOMATA 1, WITH OR WITHOUT RENAL CELL CARCINOMA; LEIOMYOMA, MULTIPLE CUTANEOUS; Reed syndrome; Multiple cutaneous and uterine leiomyomatosis; Cutaneous leiomyomata with uterine leiomyomata; Leiomyoma, hereditary multiple, of skin. Identifiers: Orphanet 523, MedGen C1708350, MONDO:0007888, OMIM 150800, HP:0007437. Disease mechanism: loss of function.

gnomAD v4.1: 1 of 1,547,826 alleles (0.000065%); highest among the groups gnomAD compares: Non-Finnish European, 0.000087%; no homozygotes.

Submissions (4):

Labcorp Genetics (formerly Invitae), Labcorp
Classification: Likely benign. Last evaluated: 2025-12-24. Review status: criteria provided, single submitter. Criteria: Invitae Variant Classification Sherloc (09022015). Collection method: clinical testing. Allele origin: germline.

Quest Diagnostics Nichols Institute San Juan Capistrano
Classification: Likely benign. Last evaluated: 2025-01-16. Review status: criteria provided, single submitter. Criteria: Quest Diagnostics criteria. Collection method: clinical testing. Allele origin: unknown.

Myriad Genetics, Inc.
Classification: Benign for Hereditary leiomyomatosis and renal cell cancer. Last evaluated: 2024-10-17. Review status: criteria provided, single submitter. Criteria: Myriad Autosomal Dominant, Autosomal Recessive and X-Linked Classification Criteria (2023). Collection method: clinical testing. Allele origin: unknown.
Comment: This variant is considered benign. This variant is a silent/synonymous amino acid change and it is not expected to impact splicing.

Ambry Genetics
Classification: Likely benign for Hereditary cancer-predisposing syndrome. Last evaluated: 2021-06-13. Review status: criteria provided, single submitter. Criteria: Ambry Variant Classification Scheme 2023. Collection method: clinical testing. Allele origin: germline.

NM_000143.4(FH):c.96C>T (p.Ala32=)

Gene: FH (fumarate hydratase; minus strand). Cytogenetic location: 1q43.
Variant type: single nucleotide variant.
Coding change: c.96C>T on transcript NM_000143.4 (MANE Select); coding-DNA position 96, C replaced by T.
Protein change: p.Ala32=; no amino-acid change (alanine 32 retained).
Molecular consequence: synonymous variant.
Genome position (GRCh38, 1-based): chr1:241,519,627, G>A on the plus strand (C>T on the coding strand, the complement: FH is on the minus strand). VCF-style: chr1-241519627-G-A. GRCh37 (hg19) VCF-style: chr1-241682927-G-A.
Identifiers: ClinVar variation 1767887 (VCV001767887.8), dbSNP rs750087000, ClinGen allele CA424076777.
Genomic context (GRCh38, chr1:241,519,627, plus strand): 5'-CGGGGGATGGCGGCCTGCGCTCACCATTCGAGCCGCGTTCGGAGGCCAAAACGAGGGCAC[G>A]GCCGCGCCACCCAAGCCGGGAGCCGAAGCTAAGGCTGCGGCTGGAGCCCGCACGAGGGGA-3'
Protein context (NP_000134.2, residues 22-42): LASAPGLGGA[Ala32=]VPSFWPPNAA